The following is an entry in ClinVar:

NM_133178.4(PTPRU):c.1473C>T (p.Ala491=)

Gene: PTPRU (protein tyrosine phosphatase receptor type U; plus strand). Cytogenetic location: 1p35.3.
Variant type: single nucleotide variant.
Coding change: c.1473C>T on transcript NM_133178.4 (MANE Select); coding-DNA position 1473, C replaced by T.
Protein change: p.Ala491=; no amino-acid change (alanine 491 retained).
Molecular consequence: synonymous variant.
Genome position (GRCh38, 1-based): chr1:29,279,031, C>T. VCF-style: chr1-29279031-C-T. GRCh37 (hg19) VCF-style: chr1-29605543-C-T.
Other names: c.1473C>T, p.Ala491= (NM_001195001.2, NM_005704.5, NM_133177.4).
Identifiers: ClinVar variation 3041187 (VCV003041187.2), dbSNP rs35932909, ClinGen allele CA726374.

ClinVar aggregate classification (germline): Benign (0 of 4 stars; one submission).

Conditions:
PTPRU-related disorder. Also called: PTPRU-related condition.

Allele frequency attached by ClinVar (database versions not stated): ExAC 0.00846; ESP Exome Variant Server 0.01031; gnomAD 0.01110; TOPMed 0.01296; 1000 Genomes Project 0.01338; 1000 Genomes Project 30x 0.01343.
gnomAD v4.1: 3,663 of 1,588,846 alleles (0.23%); highest among the groups gnomAD compares: African/African-American, 3.9%; 82 homozygotes.

Submission:

PreventionGenetics, part of Exact Sciences
Classification: Benign for PTPRU-related condition. Last evaluated: 2019-05-28. Review status: no assertion criteria provided. Collection method: clinical testing. Allele origin: germline.
Comment: This variant is classified as benign based on ACMG/AMP sequence variant interpretation guidelines (Richards et al. 2015 PMID: 25741868, with internal and published modifications).